The following is an entry in ClinVar:

ClinVar aggregate classification (germline): Uncertain significance (1 of 4 stars; one submission).

Submission:

Labcorp Genetics (formerly Invitae), Labcorp
Classification: Uncertain significance. Last evaluated: 2021-03-12. Review status: criteria provided, single submitter. Criteria: Invitae Variant Classification Sherloc (09022015). Collection method: clinical testing. Allele origin: germline.
Comment: This sequence change replaces tryptophan with cysteine at codon 42 of the RBP4 protein (p.Trp42Cys). The tryptophan residue is highly conserved and there is a large physicochemical difference between tryptophan and cysteine. This variant is not present in population databases (ExAC no frequency). This variant has not been reported in the literature in individuals with RBP4-related conditions. Algorithms developed to predict the effect of missense changes on protein structure and function are either unavailable or do not agree on the potential impact of this missense change (SIFT: "Deleterious"; PolyPhen-2: "Probably Damaging"; Align-GVGD: "Class C0"). In summary, the available evidence is currently insufficient to determine the role of this variant in disease. Therefore, it has been classified as a Variant of Uncertain Significance.

NM_006744.4(RBP4):c.126G>T (p.Trp42Cys)

Gene: RBP4 (retinol binding protein 4; minus strand). Cytogenetic location: 10q23.33.
Variant type: single nucleotide variant.
Coding change: c.126G>T on transcript NM_006744.4 (MANE Select); coding-DNA position 126, G replaced by T.
Protein change: p.Trp42Cys; replaces tryptophan 42 with cysteine.
Molecular consequence: missense variant.
Genome position (GRCh38, 1-based): chr10:93,600,789, C>A on the plus strand (G>T on the coding strand, the complement: RBP4 is on the minus strand). VCF-style: chr10-93600789-C-A. GRCh37 (hg19) VCF-style: chr10-95360546-C-A.
Other names: c.126G>T, p.Trp42Cys (NM_001323517.1); c.120G>T, p.Trp40Cys (NM_001323518.2); short protein forms W40C, W42C.
Identifiers: ClinVar variation 1516302 (VCV001516302.8), dbSNP rs2134576013, ClinGen allele CA377618525.